The following is an entry in ClinVar:

NM_002700.3(POU4F3):c.353A>G (p.Asp118Gly)

Genes: POU4F3 (POU class 4 homeobox 3; plus strand), RBM27-POU4F3 (RBM27-POU4F3 readthrough; plus strand). Cytogenetic location: 5q32.
Variant type: single nucleotide variant.
Coding change: c.353A>G on transcript NM_002700.3 (MANE Select); coding-DNA position 353, A replaced by G.
Protein change: p.Asp118Gly; replaces aspartic acid 118 with glycine.
Molecular consequence: missense variant. On other transcripts: 3 prime UTR variant (1).
Genome position (GRCh38, 1-based): chr5:146,339,780, A>G. VCF-style: chr5-146339780-A-G. GRCh37 (hg19) VCF-style: chr5-145719343-A-G.
Other names: c.*222A>G (NM_001414499.1); short protein forms D118G.
Identifiers: ClinVar variation 3216959 (VCV003216959.2), dbSNP rs1760423552, ClinGen allele CA361620531.
Genomic context (GRCh38, chr5:146,339,780, plus strand): 5'-CCCACCCAGCTGCGCTCACCTCACACCCTCACCACGCCGTGCACCAGGGCCTCGAAGGCG[A>G]CCTGCTGGAGCACATCTCGCCCACGCTGAGTGTGAGCGGCCTGGGCGCTCCGGAACACTC-3'
Protein context (NP_002691.1, residues 108-128): HHAVHQGLEG[Asp118Gly]LLEHISPTLS

ClinVar aggregate classification (germline): Uncertain significance. Review status: criteria provided, multiple submitters, no conflicts (2 of 4 stars). 2 submissions from 2 submitters: Uncertain significance (2). Last evaluated 2024-10-18.

Conditions:
POU4F3-related disorder. Also called: POU4F3-related condition.
Inborn genetic diseases. Identifiers: MedGen C0950123, MeSH D030342.

Allele frequency attached by ClinVar (database versions not stated): TOPMed below 0.00001; gnomAD 0.00001.

Submissions (2):

PreventionGenetics, part of Exact Sciences
Classification: Uncertain significance for POU4F3-related condition. Last evaluated: 2024-10-18. Review status: criteria provided, single submitter. Criteria: ACMG Guidelines, 2015. Collection method: clinical testing. Allele origin: germline.
Comment: The POU4F3 c.353A>G variant is predicted to result in the amino acid substitution p.Asp118Gly. To our knowledge, this variant has not been reported in the literature or in a large population database (gnomAD), indicating this variant is rare. At this time, the clinical significance of this variant is uncertain due to the absence of conclusive functional and genetic evidence.

Ambry Genetics
Classification: Uncertain significance for Inborn genetic diseases. Last evaluated: 2024-01-03. Review status: criteria provided, single submitter. Criteria: Ambry Variant Classification Scheme 2023. Collection method: clinical testing. Allele origin: germline.